The following is an entry in ClinVar:

ClinVar aggregate classification (germline): Likely benign (0 of 4 stars; one submission).

Conditions:
NT5E-related disorder. Also called: NT5E-related condition.

Submission:

PreventionGenetics, part of Exact Sciences
Classification: Likely benign for NT5E-related condition. Last evaluated: 2023-01-31. Review status: no assertion criteria provided. Collection method: clinical testing. Allele origin: germline.
Comment: This variant is classified as likely benign based on ACMG/AMP sequence variant interpretation guidelines (Richards et al. 2015 PMID: 25741868, with internal and published modifications).

NM_002526.4(NT5E):c.1446C>T (p.Pro482=)

Gene: NT5E (5'-nucleotidase ecto; plus strand). Cytogenetic location: 6q14.3.
Variant type: single nucleotide variant.
Coding change: c.1446C>T on transcript NM_002526.4 (MANE Select); coding-DNA position 1446, C replaced by T.
Protein change: p.Pro482=; no amino-acid change (proline 482 retained).
Molecular consequence: synonymous variant.
Genome position (GRCh38, 1-based): chr6:85,492,062, C>T. VCF-style: chr6-85492062-C-T. GRCh37 (hg19) VCF-style: chr6-86201780-C-T.
Other names: c.1296C>T, p.Pro432= (NM_001204813.2).
Identifiers: ClinVar variation 3049545 (VCV003049545.2), dbSNP rs2534047567, ClinGen allele CA451130869.